The following is an entry in ClinVar:

NM_000256.3(MYBPC3):c.1145G>A (p.Arg382Gln)

Gene: MYBPC3 (myosin binding protein C3; minus strand). Cytogenetic location: 11p11.2.
Variant type: single nucleotide variant.
Coding change: c.1145G>A on transcript NM_000256.3 (MANE Select); coding-DNA position 1145, G replaced by A.
Protein change: p.Arg382Gln; replaces arginine 382 with glutamine.
Molecular consequence: missense variant.
Genome position (GRCh38, 1-based): chr11:47,343,570, C>T on the plus strand (G>A on the coding strand, the complement: MYBPC3 is on the minus strand). VCF-style: chr11-47343570-C-T. GRCh37 (hg19) VCF-style: chr11-47365121-C-T.
Other names: short protein forms R382Q.
Identifiers: ClinVar variation 1450434 (VCV001450434.5), dbSNP rs753660871, ClinGen allele CA5975380.

ClinVar aggregate classification (germline): Uncertain significance. Review status: criteria provided, multiple submitters, no conflicts (2 of 4 stars). 2 submissions from 2 submitters: Uncertain significance (2). Last evaluated 2025-04-09.

Conditions:
Cardiovascular phenotype. Identifiers: MedGen CN230736.
Hypertrophic cardiomyopathy. Also called: HYPERTROPHIC MYOCARDIOPATHY. Identifiers: Orphanet 217569, MedGen C0007194, MeSH D002312, MONDO:0005045, HP:0001639.

Allele frequency attached by ClinVar (database versions not stated): gnomAD exomes below 0.00001; ExAC 0.00001; gnomAD 0.00001; TOPMed 0.00001.
gnomAD v4.1: 5 of 1,612,792 alleles (0.00031%); highest among the groups gnomAD compares: Non-Finnish European, 0.00017%; no homozygotes.

Submissions (2):

Molecular Diagnostic Laboratory for Inherited Cardiovascular Disease, Montreal Heart Institute
Classification: Uncertain significance for Cardiovascular phenotype. Last evaluated: 2025-04-09. Review status: criteria provided, single submitter. Criteria: ACMG Guidelines, 2015. Collection method: clinical testing. Allele origin: germline. Affected: yes.

Labcorp Genetics (formerly Invitae), Labcorp
Classification: Uncertain significance for Hypertrophic cardiomyopathy. Last evaluated: 2023-07-03. Review status: criteria provided, single submitter. Criteria: Invitae Variant Classification Sherloc (09022015). Collection method: clinical testing. Allele origin: germline.
Comment: In summary, the available evidence is currently insufficient to determine the role of this variant in disease. Therefore, it has been classified as a Variant of Uncertain Significance. An algorithm developed to predict the effect of missense changes on protein structure and function (PolyPhen-2) suggests that this variant is likely to be disruptive. ClinVar contains an entry for this variant (Variation ID: 1450434). This variant has not been reported in the literature in individuals affected with MYBPC3-related conditions. The frequency data for this variant in the population databases is considered unreliable, as metrics indicate poor data quality at this position in the gnomAD database. This sequence change replaces arginine, which is basic and polar, with glutamine, which is neutral and polar, at codon 382 of the MYBPC3 protein (p.Arg382Gln).